The following is an entry in ClinVar:

NM_000836.4(GRIN2D):c.3731C>T (p.Ala1244Val)

Gene: GRIN2D (glutamate ionotropic receptor NMDA type subunit 2D; plus strand). Cytogenetic location: 19q13.33.
Variant type: single nucleotide variant.
Coding change: c.3731C>T on transcript NM_000836.4 (MANE Select); coding-DNA position 3731, C replaced by T.
Protein change: p.Ala1244Val; replaces alanine 1244 with valine.
Molecular consequence: missense variant.
Genome position (GRCh38, 1-based): chr19:48,443,657, C>T. VCF-style: chr19-48443657-C-T. GRCh37 (hg19) VCF-style: chr19-48946914-C-T.
Other names: short protein forms A1244V.
Identifiers: ClinVar variation 3282784 (VCV003282784.3).
Genomic context (GRCh38, chr19:48,443,657, plus strand): 5'-CCCGCTGCGGGTGCCCGCGGTCGCACCCGCACCGCCCGCGGGCCTCGCACCGCACGCCCG[C>T]CGCCGCCGCGCCCCACCACCACAGGCACCGGCGCGCCGCTGGGGGCTGGGACCTCCCGCC-3'
Protein context (NP_000827.2, residues 1234-1254): HRPRASHRTP[Ala1244Val]AAAPHHHRHR

ClinVar aggregate classification (germline): Uncertain significance. Review status: criteria provided, multiple submitters, no conflicts (2 of 4 stars). 2 submissions from 2 submitters: Uncertain significance (2). Last evaluated 2024-06-21.

Conditions:
Inborn genetic diseases. Identifiers: MedGen C0950123, MeSH D030342.

Submissions (2):

Labcorp Genetics (formerly Invitae), Labcorp
Classification: Uncertain significance. Last evaluated: 2024-06-21. Review status: criteria provided, single submitter. Criteria: Invitae Variant Classification Sherloc (09022015). Collection method: clinical testing. Allele origin: germline.
Comment: This sequence change replaces alanine, which is neutral and non-polar, with valine, which is neutral and non-polar, at codon 1244 of the GRIN2D protein (p.Ala1244Val). The frequency data for this variant in the population databases is considered unreliable, as metrics indicate poor data quality at this position in the gnomAD database. This variant has not been reported in the literature in individuals affected with GRIN2D-related conditions. Advanced modeling of protein sequence and biophysical properties (such as structural, functional, and spatial information, amino acid conservation, physicochemical variation, residue mobility, and thermodynamic stability) performed at Invitae indicates that this missense variant is not expected to disrupt GRIN2D protein function with a negative predictive value of 95%. In summary, the available evidence is currently insufficient to determine the role of this variant in disease. Therefore, it has been classified as a Variant of Uncertain Significance.

Ambry Genetics
Classification: Uncertain significance for Inborn genetic diseases. Last evaluated: 2024-04-15. Review status: criteria provided, single submitter. Criteria: Ambry Variant Classification Scheme 2023. Collection method: clinical testing. Allele origin: germline.